The following is an entry in ClinVar:

ClinVar aggregate classification (germline): Uncertain significance (1 of 4 stars; one submission).

Conditions:
Emery-Dreifuss muscular dystrophy (EDMD). Also called: Scapuloperoneal syndrome, X-linked (formerly); Humeroperoneal neuromuscular disease, (formerly). Identifiers: Orphanet 261, MedGen C0410189, MONDO:0016830.

Allele frequency attached by ClinVar (database versions not stated): gnomAD 0.00001; gnomAD exomes 0.00001; TOPMed 0.00002; ExAC 0.00005.
gnomAD v4.1: 19 of 1,610,968 alleles (0.0012%); highest among the groups gnomAD compares: Admixed American, 0.018%; no homozygotes.

Submissions (2):

Labcorp Genetics (formerly Invitae), Labcorp
Classification: Uncertain significance for Emery-Dreifuss muscular dystrophy. Last evaluated: 2022-10-26. Review status: criteria provided, single submitter. Criteria: Invitae Variant Classification Sherloc (09022015). Collection method: clinical testing. Allele origin: germline.
Comment: In summary, the available evidence is currently insufficient to determine the role of this variant in disease. Therefore, it has been classified as a Variant of Uncertain Significance. Algorithms developed to predict the effect of sequence changes on RNA splicing suggest that this variant may create or strengthen a splice site. Algorithms developed to predict the effect of missense changes on protein structure and function are either unavailable or do not agree on the potential impact of this missense change (SIFT: "Tolerated"; PolyPhen-2: "Possibly Damaging"; Align-GVGD: "Class C0"). This variant has not been reported in the literature in individuals affected with SUN1-related conditions. This variant is present in population databases (rs765019636, gnomAD 0.03%). This sequence change replaces alanine, which is neutral and non-polar, with valine, which is neutral and non-polar, at codon 593 of the SUN1 protein (p.Ala593Val).

Dr. Peter K. Rogan Lab, Western University
No classification provided (evidence only). Condition: Thyroid cancer, nonmedullary, 1. Review status: no classification provided. Collection method: in vitro. Allele origin: not applicable. Functional consequence: retained intron. Not counted in ClinVar's aggregate classification.

NM_001130965.3(SUN1):c.1778C>T (p.Ala593Val)

Gene: SUN1 (Sad1 and UNC84 domain containing 1; plus strand). Cytogenetic location: 7p22.3.
Variant type: single nucleotide variant.
Coding change: c.1778C>T on transcript NM_001130965.3 (MANE Select); coding-DNA position 1778, C replaced by T.
Protein change: p.Ala593Val; replaces alanine 593 with valine.
Molecular consequence: missense variant. On other transcripts: non-coding transcript variant (3).
Genome position (GRCh38, 1-based): chr7:860,381, C>T. VCF-style: chr7-860381-C-T. GRCh37 (hg19) VCF-style: chr7-900018-C-T.
Other names: c.1889C>T, p.Ala630Val (NM_001367664.1, NM_001367685.1); c.1775C>T, p.Ala592Val (NM_001367665.1, NM_001367694.1); c.2021C>T, p.Ala674Val (NM_001367666.1); c.1739C>T, p.Ala580Val (NM_001367667.1, NM_001367689.1); c.1820C>T, p.Ala607Val (NM_001367668.1, NM_001367647.1); c.1805C>T, p.Ala602Val (NM_001367669.1); c.1628C>T, p.Ala543Val (NM_001367670.1); c.1625C>T, p.Ala542Val (NM_001367671.1, NM_001367662.1); and 43 more; short protein forms A476V, A547V, A567V, A579V, A582V, A588V, A619V, A629V.
Identifiers: ClinVar variation 2079929 (VCV002079929.5), dbSNP rs765019636, ClinGen allele CA4112357.